The following is an entry in ClinVar:

ClinVar aggregate classification (germline): Uncertain significance (1 of 4 stars; one submission).

Conditions:
Cardiovascular phenotype. Identifiers: MedGen CN230736.

gnomAD v4.1: 1 of 1,550,240 alleles (0.000065%); highest among the groups gnomAD compares: Admixed American, 0.002%; no homozygotes.

Submission:

Ambry Genetics
Classification: Uncertain significance for Cardiovascular phenotype. Last evaluated: 2022-10-02. Review status: criteria provided, single submitter. Criteria: Ambry Variant Classification Scheme 2023. Collection method: clinical testing. Allele origin: germline.
Comment: The p.S2816C variant (also known as c.8447C>G), located in coding exon 2 of the ZNF469 gene, results from a C to G substitution at nucleotide position 8447. The serine at codon 2816 is replaced by cysteine, an amino acid with dissimilar properties. This amino acid position is conserved. In addition, this alteration is predicted to be tolerated by in silico analysis. Since supporting evidence is limited at this time, the clinical significance of this alteration remains unclear.

NM_001367624.2(ZNF469):c.8531C>G (p.Ser2844Cys)

Gene: ZNF469 (zinc finger protein 469; plus strand). Cytogenetic location: 16q24.2.
Variant type: single nucleotide variant.
Coding change: c.8531C>G on transcript NM_001367624.2 (MANE Select); coding-DNA position 8531, C replaced by G.
Protein change: p.Ser2844Cys; replaces serine 2844 with cysteine.
Molecular consequence: missense variant.
Genome position (GRCh38, 1-based): chr16:88,436,001, C>G. VCF-style: chr16-88436001-C-G. GRCh37 (hg19) VCF-style: chr16-88502409-C-G.
Other names: NM_001127464.1:c.8447C>G; short protein forms S2844C.
Identifiers: ClinVar variation 1763414 (VCV001763414.2), dbSNP rs1313569827, ClinGen allele CA397118382.